The following is an entry in ClinVar:

NM_015443.4(KANSL1):c.1463C>T (p.Pro488Leu)

Gene: KANSL1 (KAT8 regulatory NSL complex subunit 1). Cytogenetic location: 17q21.31.
Variant type: single nucleotide variant.
Coding change: c.1463C>T on transcript NM_015443.4 (MANE Select); coding-DNA position 1463, C replaced by T.
Protein change: p.Pro488Leu; replaces proline 488 with leucine.
Molecular consequence: missense variant. On other transcripts: intron variant (4).
Genome position (GRCh38, 1-based): chr17:46,082,511, G>A on the plus strand (C>T on the coding strand, the complement: KANSL1 is on the minus strand). VCF-style: chr17-46082511-G-A. GRCh37 (hg19) VCF-style: chr17-44159877-G-A.
Other names: c.1463C>T, p.Pro488Leu (NM_001193465.2, NM_001193466.2, NM_001379198.1 and 14 more transcripts); c.197C>T, p.Pro66Leu (NM_001405882.1, NM_001405883.1, NM_001405884.1 and 1 more transcripts); c.1431+12049C>T (NM_001405881.1, NM_001405861.1, NM_001405859.1 and 1 more transcripts); short protein forms P488L, P66L.
Identifiers: ClinVar variation 2502042 (VCV002502042.1), dbSNP rs990019429, ClinGen allele CA291139479.

ClinVar aggregate classification (germline): Uncertain significance (1 of 4 stars; one submission).

Allele frequency attached by ClinVar (database versions not stated): gnomAD exomes below 0.00001.
gnomAD v4.1: 1 of 1,609,870 alleles (0.000062%); highest among the groups gnomAD compares: Non-Finnish European, 0.000085%; no homozygotes.

Submission:

GeneDx
Classification: Uncertain significance. Last evaluated: 2022-11-11. Review status: criteria provided, single submitter. Criteria: GeneDx Variant Classification Process June 2021. Collection method: clinical testing. Allele origin: germline. Affected: yes.
Comment: In silico analysis supports that this missense variant has a deleterious effect on protein structure/function; Missense variant in a gene in which most reported pathogenic variants are truncating/loss of function; Has not been previously published as pathogenic or benign to our knowledge